The following is an entry in ClinVar:

NM_005744.5(ARIH1):c.237CGG[5] (p.Gly89_Gly90del)

Gene: ARIH1 (ariadne RBR E3 ubiquitin protein ligase 1; plus strand). Cytogenetic location: 15q24.1.
Variant type: Microsatellite.
Coding change: c.237CGG[5] on transcript NM_005744.5 (MANE Select); five copies in a row of the 3-base unit CGG starting at c.237; the reference has seven copies in a row; two copies, 6 bases deleted.
Protein change: p.Gly89_Gly90del.
Molecular consequence: inframe deletion.
Genome position (GRCh38, 1-based): chr15:72,474,891-72,474,896, CGGCGG deleted; deleting any 6 consecutive bases within chr15:72,474,874-72,474,896 gives the same sequence; the position shown is the placement nearest the transcript's 3' end. VCF-style (leftmost placement, unchanged base first): chr15-72474873-TGGCGGC-T. GRCh37 (hg19) VCF-style: chr15-72767214-TGGCGGC-T.
Identifiers: ClinVar variation 1489071 (VCV001489071.6), dbSNP rs375614248, ClinGen allele CA491510915.

ClinVar aggregate classification (germline): Uncertain significance (1 of 4 stars; one submission).

Submission:

Labcorp Genetics (formerly Invitae), Labcorp
Classification: Uncertain significance. Last evaluated: 2026-01-12. Review status: criteria provided, single submitter. Criteria: Invitae Variant Classification Sherloc (09022015). Collection method: clinical testing. Allele origin: germline.
Comment: This variant, c.252_257del, results in the deletion of 2 amino acid(s) of the ARIH1 protein (p.Gly89_Gly90del), but otherwise preserves the integrity of the reading frame. The frequency data for this variant in the population databases is considered unreliable, as metrics indicate poor data quality at this position in the gnomAD database. This variant has not been reported in the literature in individuals affected with ARIH1-related conditions. Experimental studies and prediction algorithms are not available or were not evaluated, and the functional significance of this variant is currently unknown. In summary, the available evidence is currently insufficient to determine the role of this variant in disease. Therefore, it has been classified as a Variant of Uncertain Significance.